The following is an entry in ClinVar:

NM_000075.4(CDK4):c.672C>T (p.Gly224=)

Genes: CDK4 (cyclin dependent kinase 4; minus strand), TSPAN31 (tetraspanin 31; plus strand). Cytogenetic location: 12q14.1.
Variant type: single nucleotide variant.
Coding change: c.672C>T on transcript NM_000075.4 (MANE Select); coding-DNA position 672, C replaced by T.
Protein change: p.Gly224=; no amino-acid change (glycine 224 retained).
Molecular consequence: synonymous variant. On other transcripts: 3 prime UTR variant (3).
Genome position (GRCh38, 1-based): chr12:57,749,465, G>A on the plus strand (C>T on the coding strand, the complement: CDK4 is on the minus strand). VCF-style: chr12-57749465-G-A. GRCh37 (hg19) VCF-style: chr12-58143248-G-A.
Other names: c.*2175G>A (NM_001330168.2, NM_001330169.2, NM_005981.5).
Identifiers: ClinVar variation 4780414 (VCV004780414.1).

ClinVar aggregate classification (germline): Uncertain significance (1 of 4 stars; one submission).

Conditions:
Familial melanoma. Also called: Hereditary melanoma; Hereditary cutaneous melanoma. Identifiers: Orphanet 618, MedGen C1512419, MONDO:0018961.

Submission:

Labcorp Genetics (formerly Invitae), Labcorp
Classification: Uncertain significance for Familial melanoma. Last evaluated: 2025-11-03. Review status: criteria provided, single submitter. Criteria: Invitae Variant Classification Sherloc (09022015). Collection method: clinical testing. Allele origin: germline.
Comment: This sequence change affects codon 224 of the CDK4 mRNA. It is a 'silent' change, meaning that it does not change the encoded amino acid sequence of the CDK4 protein. This variant is not present in population databases (gnomAD no frequency). This variant has not been reported in the literature in individuals affected with CDK4-related conditions. Algorithms developed to predict the effect of sequence changes on RNA splicing suggest that this variant may disrupt the consensus splice site. In summary, the available evidence is currently insufficient to determine the role of this variant in disease. Therefore, it has been classified as a Variant of Uncertain Significance.